The following is an entry in ClinVar:

ClinVar aggregate classification (germline): Likely benign (1 of 4 stars; one submission).

Conditions:
TOPBP1-related disorder. Also called: TOPBP1-related condition.

gnomAD v4.1: 405 of 1,610,836 alleles (0.025%); highest among the groups gnomAD compares: African/African-American, 0.1%; 2 homozygotes.

Submission:

PreventionGenetics, part of Exact Sciences
Classification: Likely benign for TOPBP1-related condition. Last evaluated: 2024-10-20. Review status: criteria provided, single submitter. Criteria: ACMG Guidelines, 2015. Collection method: clinical testing. Allele origin: germline.
Comment: This variant is classified as likely benign based on ACMG/AMP sequence variant interpretation guidelines (Richards et al. 2015 PMID: 25741868, with internal and published modifications).

NM_007027.4(TOPBP1):c.3608G>C (p.Gly1203Ala)

Gene: TOPBP1 (DNA topoisomerase II binding protein 1; minus strand). Cytogenetic location: 3q22.1.
Variant type: single nucleotide variant.
Coding change: c.3608G>C on transcript NM_007027.4 (MANE Select); coding-DNA position 3608, G replaced by C.
Protein change: p.Gly1203Ala; replaces glycine 1203 with alanine.
Molecular consequence: missense variant.
Genome position (GRCh38, 1-based): chr3:133,617,311, C>G on the plus strand (G>C on the coding strand, the complement: TOPBP1 is on the minus strand). VCF-style: chr3-133617311-C-G. GRCh37 (hg19) VCF-style: chr3-133336155-C-G.
Other names: c.3593G>C, p.Gly1198Ala (NM_001363889.2); short protein forms G1198A, G1203A.
Identifiers: ClinVar variation 4986093 (VCV004986093.1).